The following is an entry in ClinVar:

ClinVar aggregate classification (germline): Uncertain significance (1 of 4 stars; one submission).

Submission:

Labcorp Genetics (formerly Invitae), Labcorp
Classification: Uncertain significance. Last evaluated: 2021-05-18. Review status: criteria provided, single submitter. Criteria: Invitae Variant Classification Sherloc (09022015). Collection method: clinical testing. Allele origin: germline.
Comment: In summary, the available evidence is currently insufficient to determine the role of this variant in disease. Therefore, it has been classified as a Variant of Uncertain Significance. Algorithms developed to predict the effect of sequence changes on RNA splicing suggest that this variant may create or strengthen a splice site, but this prediction has not been confirmed by published transcriptional studies. This variant has not been reported in the literature in individuals with MYO3A-related conditions. This variant is not present in population databases (ExAC no frequency). This sequence change falls in intron 4 of the MYO3A gene. It does not directly change the encoded amino acid sequence of the MYO3A protein.

NM_017433.5(MYO3A):c.304-11T>G

Gene: MYO3A (myosin IIIA; plus strand). Cytogenetic location: 10p12.1.
Variant type: single nucleotide variant.
Coding change: c.304-11T>G on transcript NM_017433.5 (MANE Select); 11 bases into the intron before coding-DNA position 304, T replaced by G.
Molecular consequence: intron variant.
Genome position (GRCh38, 1-based): chr10:25,996,479, T>G. VCF-style: chr10-25996479-T-G. GRCh37 (hg19) VCF-style: chr10-26285408-T-G.
Other names: c.304-11T>G (NM_001368265.1).
Identifiers: ClinVar variation 1417556 (VCV001417556.8), dbSNP rs2130900312, ClinGen allele CA2573145037.
Genomic context (GRCh38, chr10:25,996,479, plus strand): 5'-GAAGAACTTTTCTAGAAAGAACATAAAATGTCACATGTTTTTAATAGCCATCTTAAAATA[T>G]TCTTGTTTAGCTCTGCAGTGGAGGATCAGTGACTGACCTTGTGAAAGGATTTCTGAAGAG-3'